The following is an entry in ClinVar:

ClinVar aggregate classification (germline): Uncertain significance. Review status: criteria provided, multiple submitters, no conflicts (2 of 4 stars). 2 submissions from 2 submitters: Uncertain significance (2). Last evaluated 2023-07-29.

Conditions:
Aortic aneurysm, familial thoracic 4 (AAT4). Also called: AORTIC ANEURYSM/AORTIC DISSECTION AND PATENT DUCTUS ARTERIOSUS. Identifiers: MedGen C1851504, MONDO:0007568, OMIM 132900.
Familial thoracic aortic aneurysm and aortic dissection (TAAD). Also called: Thoracic aortic aneurysms and dissections. Identifiers: Orphanet 91387, MedGen C4707243, MONDO:0019625.

Submissions (2):

Ambry Genetics
Classification: Uncertain significance for Familial thoracic aortic aneurysm and aortic dissection. Last evaluated: 2023-07-29. Review status: criteria provided, single submitter. Criteria: Ambry Variant Classification Scheme 2023. Collection method: clinical testing. Allele origin: germline.
Comment: The p.L1418Q variant (also known as c.4253T>A), located in coding exon 30 of the MYH11 gene, results from a T to A substitution at nucleotide position 4253. The leucine at codon 1418 is replaced by glutamine, an amino acid with dissimilar properties. This amino acid position is conserved. In addition, this alteration is predicted to be deleterious by in silico analysis. Since supporting evidence is limited at this time, the clinical significance of this alteration remains unclear.

Labcorp Genetics (formerly Invitae), Labcorp
Classification: Uncertain significance for Aortic aneurysm, familial thoracic 4. Last evaluated: 2019-05-23. Review status: criteria provided, single submitter. Criteria: Invitae Variant Classification Sherloc (09022015). Collection method: clinical testing. Allele origin: germline.
Comment: This sequence change replaces leucine with glutamine at codon 1425 of the MYH11 protein (p.Leu1425Gln). The leucine residue is highly conserved and there is a moderate physicochemical difference between leucine and glutamine. This variant is not present in population databases (ExAC no frequency). This variant has not been reported in the literature in individuals with MYH11-related conditions. Algorithms developed to predict the effect of missense changes on protein structure and function are either unavailable or do not agree on the potential impact of this missense change (SIFT: "Deleterious"; PolyPhen-2: "Probably Damaging"; Align-GVGD: "Class C0"). Algorithms developed to predict the effect of sequence changes on RNA splicing suggest that this variant may create or strengthen a splice site, but this prediction has not been confirmed by published transcriptional studies. In summary, the available evidence is currently insufficient to determine the role of this variant in disease. Therefore, it has been classified as a Variant of Uncertain Significance.

NM_002474.3(MYH11):c.4253T>A (p.Leu1418Gln)

Genes: MYH11 (myosin heavy chain 11; minus strand), NDE1 (nudE neurodevelopment protein 1; plus strand). Cytogenetic location: 16p13.11.
Variant type: single nucleotide variant.
Coding change: c.4253T>A on transcript NM_002474.3 (MANE Select); coding-DNA position 4253, T replaced by A.
Protein change: p.Leu1418Gln; replaces leucine 1418 with glutamine.
Molecular consequence: missense variant. On other transcripts: 3 prime UTR variant (2).
Genome position (GRCh38, 1-based): chr16:15,724,273, A>T on the plus strand (T>A on the coding strand, the complement: MYH11 is on the minus strand). VCF-style: chr16-15724273-A-T. GRCh37 (hg19) VCF-style: chr16-15818130-A-T.
Other names: c.4274T>A, p.Leu1425Gln (NM_001040113.2, NM_001040114.2); c.4253T>A, p.Leu1418Gln (NM_022844.3); c.*22A>T (NM_001143979.2, NM_017668.3); short protein forms L1425Q, L1418Q.
Identifiers: ClinVar variation 952298 (VCV000952298.11), dbSNP rs2040633481, ClinGen allele CA394857250.